The following is an entry in ClinVar:

ClinVar aggregate classification (germline): Benign (1 of 4 stars; one submission).

Conditions:
Progressive myoclonic epilepsy type 3. Also called: EPILEPSY, PROGRESSIVE MYOCLONIC, 3, WITH OR WITHOUT INTRACELLULAR INCLUSIONS; CEROID LIPOFUSCINOSIS, NEURONAL, 14; EPILEPSY, PROGRESSIVE MYOCLONIC, 3, WITHOUT INTRACELLULAR INCLUSIONS; KCTD7-Related Progressive Myoclonic Epilepsy. Identifiers: Orphanet 263516, MedGen C2673257, MONDO:0012721, OMIM 611726.

Allele frequency attached by ClinVar (database versions not stated): 1000 Genomes Project 0.00779; 1000 Genomes Project 30x 0.00999; TOPMed 0.01473; gnomAD 0.01621.

Submission:

Illumina Laboratory Services, Illumina
Classification: Benign for Progressive myoclonic epilepsy type 3. Last evaluated: 2018-01-12. Review status: criteria provided, single submitter. Criteria: ICSL Variant Classification Criteria 13 December 2019. Collection method: clinical testing. Allele origin: germline.
Comment: This variant was observed in the ICSL laboratory as part of a predisposition screen in an ostensibly healthy population. It had not been previously curated by ICSL or reported in the Human Gene Mutation Database (HGMD: prior to June 1st, 2018), and was therefore a candidate for classification through an automated scoring system. Utilizing variant allele frequency, disease prevalence and penetrance estimates, and inheritance mode, an automated score was calculated to assess if this variant is too frequent to cause the disease. Based on the score and internal cut-off values, a variant classified as benign is not then subjected to further curation. The score for this variant resulted in a classification of benign for this disease.

NM_153033.5(KCTD7):c.*880T>C

Gene: KCTD7 (potassium channel tetramerization domain containing 7; plus strand). Cytogenetic location: 7q11.21.
Variant type: single nucleotide variant.
Coding change: c.*880T>C on transcript NM_153033.5 (MANE Select); 880 bases downstream of the stop codon, T replaced by C.
Molecular consequence: 3 prime UTR variant. On other transcripts: intron variant (1).
Genome position (GRCh38, 1-based): chr7:66,640,112, T>C. VCF-style: chr7-66640112-T-C. GRCh37 (hg19) VCF-style: chr7-66105099-T-C.
Other names: c.867-282T>C (NM_001167961.2).
Identifiers: ClinVar variation 360598 (VCV000360598.5), dbSNP rs117143942, ClinGen allele CA10629477.